The following is an entry in ClinVar:

ClinVar aggregate classification (germline): Uncertain significance (1 of 4 stars; one submission).

Conditions:
Inborn genetic diseases. Identifiers: MedGen C0950123, MeSH D030342.

Submission:

Ambry Genetics
Classification: Uncertain significance for Inborn genetic diseases. Last evaluated: 2026-06-06. Review status: criteria provided, single submitter. Criteria: Ambry Variant Classification Scheme 2023. Collection method: clinical testing. Allele origin: germline.
Comment: The p.Q879H variant (also known as c.2637G>C), located in coding exon 1 of the SAMD9L gene, results from a G to C substitution at nucleotide position 2637. The glutamine at codon 879 is replaced by histidine, an amino acid with highly similar properties. This amino acid position is conserved. In addition, this alteration is predicted to be tolerated by in silico analysis. Based on the available evidence, the clinical significance of this variant remains unclear.

NM_152703.5(SAMD9L):c.2637G>C (p.Gln879His)

Gene: SAMD9L (sterile alpha motif domain containing 9 like; minus strand). Cytogenetic location: 7q21.2.
Variant type: single nucleotide variant.
Coding change: c.2637G>C on transcript NM_152703.5 (MANE Select); coding-DNA position 2637, G replaced by C.
Protein change: p.Gln879His; replaces glutamine 879 with histidine.
Molecular consequence: missense variant.
Genome position (GRCh38, 1-based): chr7:93,133,335, C>G on the plus strand (G>C on the coding strand, the complement: SAMD9L is on the minus strand). VCF-style: chr7-93133335-C-G. GRCh37 (hg19) VCF-style: chr7-92762648-C-G.
Other names: c.2637G>C, p.Gln879His (NM_001303496.3, NM_001303497.3, NM_001303498.3 and 5 more transcripts); short protein forms Q879H.
Identifiers: ClinVar variation 4864027 (VCV004864027.1).